The following is an entry in ClinVar:

ClinVar aggregate classification (germline): Uncertain significance (1 of 4 stars; one submission).

Conditions:
Factor XIII, A subunit, deficiency of. Also called: Factor XIII subunit A deficiency. Identifiers: Orphanet 331, MedGen C2750514, MONDO:0013187, OMIM 613225, HP:0040233.

Allele frequency attached by ClinVar (database versions not stated): gnomAD exomes below 0.00001.
gnomAD v4.1: 2 of 1,614,144 alleles (0.00012%); highest among the groups gnomAD compares: Non-Finnish European, 0.00017%; no homozygotes.

Submission:

ISTH-SSC Genomics in Thrombosis and Hemostasis, KU Leuven, Center for Molecular and Vascular Biology
Classification: Uncertain significance for Factor XIII, A subunit, deficiency of. Review status: criteria provided, single submitter. Criteria: ACMG Guidelines, 2015. Collection method: clinical testing. Allele origin: germline. Affected: yes. Observed: 1 compound heterozygote.
Comment: Submitted to the GoldVariant database by Kathleen Freson, Center for Molecular and Vascular Biology

NM_000129.4(F13A1):c.2150A>G (p.His717Arg)

Gene: F13A1 (coagulation factor XIII A chain; minus strand). Cytogenetic location: 6p25.1.
Variant type: single nucleotide variant.
Coding change: c.2150A>G on transcript NM_000129.4 (MANE Select); coding-DNA position 2150, A replaced by G.
Protein change: p.His717Arg; replaces histidine 717 with arginine.
Molecular consequence: missense variant.
Genome position (GRCh38, 1-based): chr6:6,145,668, T>C on the plus strand (A>G on the coding strand, the complement: F13A1 is on the minus strand). VCF-style: chr6-6145668-T-C. GRCh37 (hg19) VCF-style: chr6-6145901-T-C.
Other names: short protein forms H717R.
Identifiers: ClinVar variation 2572144 (VCV002572144.1), dbSNP rs2480480139, ClinGen allele CA362655915.
Genomic context (GRCh38, chr6:6,145,668, plus strand): 5'-TTCCTGTGCATTCACATGGAAGGTCGTCTTTGAATCTGCACGTCCAGCTCGCCATACACA[T>C]GTCTCAGGGAGTCACTGCTCATGCTGGCTATCAGCTTCCGATGCCCAGAGACCCAGGGCC-3'
Protein context (NP_000120.2, residues 707-727): IASMSSDSLR[His717Arg]VYGELDVQIQ